The following is an entry in ClinVar:

NM_001854.4(COL11A1):c.2149C>T (p.Gln717Ter)

Gene: COL11A1 (collagen type XI alpha 1 chain; minus strand). Cytogenetic location: 1p21.1.
Variant type: single nucleotide variant.
Coding change: c.2149C>T on transcript NM_001854.4 (MANE Select); coding-DNA position 2149, C replaced by T.
Protein change: p.Gln717Ter; replaces glutamine 717 with a stop codon.
Molecular consequence: nonsense. On other transcripts: non-coding transcript variant (1).
Genome position (GRCh38, 1-based): chr1:102,998,357, G>A on the plus strand (C>T on the coding strand, the complement: COL11A1 is on the minus strand). VCF-style: chr1-102998357-G-A. GRCh37 (hg19) VCF-style: chr1-103463913-G-A.
Other names: c.1801C>T, p.Gln601Ter (NM_001168249.1, NM_080630.4); c.2032C>T, p.Gln678Ter (NM_001190709.2); c.2185C>T, p.Gln729Ter (NM_080629.3); short protein forms Q678*, Q717*, Q729*, Q601*.
Identifiers: ClinVar variation 2131680 (VCV002131680.4), dbSNP rs2525315768, ClinGen allele CA341170297.
Genomic context (GRCh38, chr1:102,998,357, plus strand): 5'-AGCTGTTACTTACAGGAGGCCCATCAGCACCAGGAAGTCCAGCAAGTCCTGGTTTTCCTT[G>A]TGGTCCCTTATAGAGAAAAAAAAAATATTAAAAAGATAAAAATAATTTTAAAAAGCTTTA-3'

ClinVar aggregate classification (germline): Pathogenic (1 of 4 stars; one submission).

Submission:

Labcorp Genetics (formerly Invitae), Labcorp
Classification: Pathogenic. Last evaluated: 2022-04-29. Review status: criteria provided, single submitter. Criteria: Invitae Variant Classification Sherloc (09022015). Collection method: clinical testing. Allele origin: germline.
Comment: For these reasons, this variant has been classified as Pathogenic. This sequence change creates a premature translational stop signal (p.Gln717*) in the COL11A1 gene. It is expected to result in an absent or disrupted protein product. Loss-of-function variants in COL11A1 are known to be pathogenic (PMID: 20513134, 21035103, 23922384, 25240749, 32427345, 32756486). This variant is not present in population databases (gnomAD no frequency). This variant has not been reported in the literature in individuals affected with COL11A1-related conditions.

Literature cited by the submitters: PubMed 20513134; PubMed 21035103; PubMed 23922384; PubMed 25240749; PubMed 32427345; PubMed 32756486.